The following is an entry in ClinVar:

ClinVar aggregate classification (germline): Uncertain significance (1 of 4 stars; one submission).

Conditions:
Catecholaminergic polymorphic ventricular tachycardia 1. Also called: RYR2-Related Catecholaminergic Polymorphic Ventricular Tachycardia; VENTRICULAR TACHYCARDIA, CATECHOLAMINERGIC POLYMORPHIC, 1, WITH OR WITHOUT ATRIAL DYSFUNCTION AND/OR DILATED CARDIOMYOPATHY; VENTRICULAR TACHYCARDIA, STRESS-INDUCED POLYMORPHIC 1. Identifiers: Orphanet 3286, MedGen C1631597, MONDO:0011484, OMIM 604772.

Allele frequency attached by ClinVar (database versions not stated): gnomAD exomes below 0.00001; gnomAD 0.00001; ExAC 0.00002.
gnomAD v4.1: 1 of 1,591,544 alleles (0.000063%); highest among the groups gnomAD compares: African/African-American, 0.0013%; no homozygotes.

Submission:

Labcorp Genetics (formerly Invitae), Labcorp
Classification: Uncertain significance for Catecholaminergic polymorphic ventricular tachycardia 1. Last evaluated: 2022-04-11. Review status: criteria provided, single submitter. Criteria: Invitae Variant Classification Sherloc (09022015). Collection method: clinical testing. Allele origin: germline.
Comment: In summary, the available evidence is currently insufficient to determine the role of this variant in disease. Therefore, it has been classified as a Variant of Uncertain Significance. Algorithms developed to predict the effect of missense changes on protein structure and function output the following: SIFT: "Deleterious"; PolyPhen-2: "Benign"; Align-GVGD: "Class C0". The glutamic acid amino acid residue is found in multiple mammalian species, which suggests that this missense change does not adversely affect protein function. ClinVar contains an entry for this variant (Variation ID: 1006884). This variant has not been reported in the literature in individuals affected with TRDN-related conditions. The frequency data for this variant in the population databases is considered unreliable, as metrics indicate poor data quality at this position in the gnomAD database. This sequence change replaces glycine, which is neutral and non-polar, with glutamic acid, which is acidic and polar, at codon 696 of the TRDN protein (p.Gly696Glu).

NM_006073.4(TRDN):c.2087G>A (p.Gly696Glu)

Gene: TRDN (triadin; minus strand). Cytogenetic location: 6q22.31.
Variant type: single nucleotide variant.
Coding change: c.2087G>A on transcript NM_006073.4 (MANE Select); coding-DNA position 2087, G replaced by A.
Protein change: p.Gly696Glu; replaces glycine 696 with glutamic acid.
Molecular consequence: missense variant.
Genome position (GRCh38, 1-based): chr6:123,218,704, C>T on the plus strand (G>A on the coding strand, the complement: TRDN is on the minus strand). VCF-style: chr6-123218704-C-T. GRCh37 (hg19) VCF-style: chr6-123539849-C-T.
Other names: short protein forms G696E.
Identifiers: ClinVar variation 1006884 (VCV001006884.8), dbSNP rs770748006, ClinGen allele CA3983600.